The following is an entry in ClinVar:

ClinVar aggregate classification (germline): Uncertain significance. Review status: criteria provided, multiple submitters, no conflicts (2 of 4 stars). 2 submissions from 2 submitters: Uncertain significance (2). Last evaluated 2026-06-16.

Conditions:
NOTCH2-related disorder. Also called: NOTCH2-related condition.

Submissions (2):

PreventionGenetics, part of Exact Sciences
Classification: Uncertain significance for NOTCH2-related condition. Last evaluated: 2026-06-16. Review status: criteria provided, single submitter. Criteria: ACMG Guidelines, 2015. Collection method: clinical testing. Allele origin: germline.
Comment: The NOTCH2 c.5723_5725delACA variant is predicted to result in an in-frame deletion (p.Asn1908del). To our knowledge, this variant has not been reported in the literature or in a large population database (gnomAD), indicating this variant is rare. At this time, the clinical significance of this variant is uncertain due to the absence of conclusive functional and genetic evidence.

Greenwood Genetic Center Diagnostic Laboratories, Greenwood Genetic Center
Classification: Uncertain significance. Last evaluated: 2025-11-22. Review status: criteria provided, single submitter. Criteria: ACMG Guidelines, 2015. Collection method: clinical testing. Allele origin: germline. Affected: yes.
Comment: PM2, PM4

NM_024408.4(NOTCH2):c.5720ACA[1] (p.Asn1908del)

Gene: NOTCH2 (notch receptor 2; minus strand). Cytogenetic location: 1p12.
Variant type: Microsatellite.
Coding change: c.5720ACA[1] on transcript NM_024408.4 (MANE Select); one copy of the 3-base unit ACA starting at c.5720; the reference has two copies in a row; one copy, 3 bases deleted; also written c.5723_5725del.
Protein change: p.Asn1908del; deletes asparagine 1908.
Molecular consequence: inframe deletion.
Genome position (GRCh38, 1-based): chr1:119,919,368-119,919,370, TGT deleted on the plus strand (ACA on the coding strand, the reverse complement: NOTCH2 is on the minus strand); deleting any 3 consecutive bases within chr1:119,919,368-119,919,373 gives the same sequence; the position shown is the placement nearest the transcript's 3' end. VCF-style (leftmost placement, unchanged base first): chr1-119919367-ATGT-A. GRCh37 (hg19) VCF-style: chr1-120461990-ATGT-A.
Other names: c.5723_5725del (NM_024408.4); c.5723_5725delACA (NM_024408.3); short protein forms N1908del.
Identifiers: ClinVar variation 4845483 (VCV004845483.2).
Genomic context (GRCh38, chr1:119,919,367, plus strand): 5'-TTTACCTGGAAGACACCTTGGGCATCAGCTGCCACTGCAGCATGGAGTGGACAGCGGCCC[ATGT>A]TGTCCTGGGCATTGGCATCTGCACCTGCATCCAGGAGACGCTTGGCAGCATCAGCCCGTG-3'